The following is an entry in ClinVar:

NM_001813.3(CENPE):c.7205G>A (p.Ser2402Asn)

Gene: CENPE (centromere protein E; minus strand). Cytogenetic location: 4q24.
Variant type: single nucleotide variant.
Coding change: c.7205G>A on transcript NM_001813.3 (MANE Select); coding-DNA position 7205, G replaced by A.
Protein change: p.Ser2402Asn; replaces serine 2402 with asparagine.
Molecular consequence: missense variant.
Genome position (GRCh38, 1-based): chr4:103,120,272, C>T on the plus strand (G>A on the coding strand, the complement: CENPE is on the minus strand). VCF-style: chr4-103120272-C-T. GRCh37 (hg19) VCF-style: chr4-104041429-C-T.
Other names: c.6842G>A, p.Ser2281Asn (NM_001286734.2); short protein forms S2281N, S2402N.
Identifiers: ClinVar variation 1302222 (VCV001302222.3), dbSNP rs774472049, ClinGen allele CA3029200.
Genomic context (GRCh38, chr4:103,120,272, plus strand): 5'-TGAAGTTTTGCTATTATGTCATTAGTCACCTCAAGTTCTTTCTGCATCTTTATAATCTTG[C>T]TTTCCTTATGCATAGCACTTTCTTTAGCTTCATGCAGTGAATTTTCCAGCTCTCGAATTT-3'
Protein context (NP_001804.2, residues 2392-2412): EAKESAMHKE[Ser2402Asn]KIIKMQKELE

ClinVar aggregate classification (germline): Uncertain significance. Review status: criteria provided, multiple submitters, no conflicts (2 of 4 stars). 2 submissions from 2 submitters: Uncertain significance (2). Last evaluated 2024-03-26.

Allele frequency attached by ClinVar (database versions not stated): ExAC 0.00001; gnomAD 0.00002; gnomAD exomes 0.00002 and 0.00004; TOPMed 0.00003.
gnomAD v4.1: 14 of 1,612,522 alleles (0.00087%); highest among the groups gnomAD compares: Admixed American, 0.02%; no homozygotes.

Submissions (2):

Ambry Genetics
Classification: Uncertain significance. Last evaluated: 2024-03-26. Review status: criteria provided, single submitter. Criteria: Ambry Variant Classification Scheme 2023. Collection method: clinical testing. Allele origin: germline.

GeneDx
Classification: Uncertain significance. Last evaluated: 2019-03-26. Review status: criteria provided, single submitter. Criteria: GeneDx Variant Classification Process June 2021. Collection method: clinical testing. Allele origin: germline. Affected: yes.
Comment: In silico analysis, which includes protein predictors and evolutionary conservation, supports that this variant does not alter protein structure/function; Has not been previously published as pathogenic or benign to our knowledge